The following is an entry in ClinVar:

ClinVar aggregate classification (germline): Uncertain significance (1 of 4 stars; one submission).

Conditions:
Neurofibromatosis, type 1 (NF1). Also called: VON RECKLINGHAUSEN DISEASE; Peripheral type neurofibromatosis; Neurofibromatosis, type I; NEUROFIBROMATOSIS, TYPE I, SOMATIC. Identifiers: Orphanet 636, MedGen C0027831, MONDO:0018975, OMIM 162200. Disease mechanism: loss of function.

Submission:

Labcorp Genetics (formerly Invitae), Labcorp
Classification: Uncertain significance for Neurofibromatosis, type 1. Last evaluated: 2020-11-15. Review status: criteria provided, single submitter. Criteria: Invitae Variant Classification Sherloc (09022015). Collection method: clinical testing. Allele origin: germline.
Comment: This variant has not been reported in the literature in individuals with NF1-related conditions. Algorithms developed to predict the effect of sequence changes on RNA splicing suggest that this variant may create or strengthen a splice site, but this prediction has not been confirmed by published transcriptional studies. In summary, the available evidence is currently insufficient to determine the role of this variant in disease. Therefore, it has been classified as a Variant of Uncertain Significance. This variant is not present in population databases (ExAC no frequency). This sequence change affects codon 1736 of the NF1 mRNA. It is a 'silent' change, meaning that it does not change the encoded amino acid sequence of the NF1 protein.

NM_001042492.3(NF1):c.5271T>A (p.Val1757=)

Gene: NF1 (neurofibromin 1; plus strand). Cytogenetic location: 17q11.2.
Variant type: single nucleotide variant.
Coding change: c.5271T>A on transcript NM_001042492.3 (MANE Select); coding-DNA position 5271, T replaced by A.
Protein change: p.Val1757=; no amino-acid change (valine 1757 retained).
Molecular consequence: synonymous variant.
Genome position (GRCh38, 1-based): chr17:31,327,501, T>A. VCF-style: chr17-31327501-T-A. GRCh37 (hg19) VCF-style: chr17-29654519-T-A.
Other names: c.5208T>A, p.Val1736= (NM_000267.4).
Identifiers: ClinVar variation 1347892 (VCV001347892.8), dbSNP rs1399095966, ClinGen allele CA499233277.